The following is an entry in ClinVar:

ClinVar aggregate classification (germline): Uncertain significance (1 of 4 stars; one submission).

Conditions:
Hereditary cancer-predisposing syndrome. Also called: Neoplastic Syndromes, Hereditary; Hereditary neoplastic syndrome; Tumor predisposition; Hereditary Cancer Syndrome. Identifiers: Orphanet 140162, MedGen C0027672, MeSH D009386, MONDO:0015356.

Submission:

Ambry Genetics
Classification: Uncertain significance for Hereditary cancer-predisposing syndrome. Last evaluated: 2026-01-15. Review status: criteria provided, single submitter. Criteria: Ambry Variant Classification Scheme 2023. Collection method: clinical testing. Allele origin: germline.
Comment: The p.E491V variant (also known as c.1472A>T), located in coding exon 11 of the PMS2 gene, results from an A to T substitution at nucleotide position 1472. The glutamic acid at codon 491 is replaced by valine, an amino acid with dissimilar properties. This amino acid position is conserved. In addition, this alteration is predicted to be tolerated by in silico analysis. Based on the available evidence, the clinical significance of this variant remains unclear.

NM_000535.7(PMS2):c.1472A>T (p.Glu491Val)

Gene: PMS2 (PMS1 homolog 2, mismatch repair system component; minus strand). Cytogenetic location: 7p22.1.
Variant type: single nucleotide variant.
Coding change: c.1472A>T on transcript NM_000535.7 (MANE Select); coding-DNA position 1472, A replaced by T.
Protein change: p.Glu491Val; replaces glutamic acid 491 with valine.
Molecular consequence: missense variant. On other transcripts: non-coding transcript variant (1), intron variant (1).
Genome position (GRCh38, 1-based): chr7:5,987,293, T>A on the plus strand (A>T on the coding strand, the complement: PMS2 is on the minus strand). VCF-style: chr7-5987293-T-A. GRCh37 (hg19) VCF-style: chr7-6026924-T-A.
Other names: c.1067A>T, p.Glu356Val (NM_001322003.2, NM_001322004.2, NM_001322005.2 and 16 more transcripts); c.1316A>T, p.Glu439Val (NM_001322006.2, NM_001406870.1); c.1154A>T, p.Glu385Val (NM_001322007.2, NM_001322008.2, NM_001406876.1 and 2 more transcripts); c.911A>T, p.Glu304Val (NM_001322010.2, NM_001406906.1, NM_001406907.1); c.539A>T, p.Glu180Val (NM_001322011.2, NM_001322012.2); c.899A>T, p.Glu300Val (NM_001322013.2, NM_001406909.1); c.1472A>T, p.Glu491Val (NM_001322014.2, NM_001406871.1, NM_001406872.1); c.1163A>T, p.Glu388Val (NM_001322015.2, NM_001406875.1, NM_001406877.1 and 5 more transcripts); and 13 more; short protein forms E300V, E304V, E180V, E320V, E379V, E383V, E385V, E435V.
Identifiers: ClinVar variation 4824557 (VCV004824557.1).